The following is an entry in ClinVar:

ClinVar aggregate classification (germline): Pathogenic (1 of 4 stars; one submission).

Submission:

GeneDx
Classification: Pathogenic. Last evaluated: 2016-10-26. Review status: criteria provided, single submitter. Criteria: GeneDx Variant Classification (06012015). Collection method: clinical testing. Allele origin: germline. Affected: yes.
Comment: The W1772X nonsense variant in the CHD7 gene is predicted to cause loss of normal protein function either through protein truncation or nonsense-mediated mRNA decay. Additionally, the W1772X variant was not observed in approximately 5,900 individuals of European and African American ancestry in the NHLBI Exome Sequencing Project. Approximately 45% of CHD7 pathogenic variants are nonsense variants (Janssen et al., 2012; Zentner et al., 2010).

NM_017780.4(CHD7):c.5315G>A (p.Trp1772Ter)

Gene: CHD7 (chromodomain helicase DNA binding protein 7; plus strand). Cytogenetic location: 8q12.2.
Variant type: single nucleotide variant.
Coding change: c.5315G>A on transcript NM_017780.4 (MANE Select); coding-DNA position 5315, G replaced by A.
Protein change: p.Trp1772Ter; replaces tryptophan 1772 with a stop codon.
Molecular consequence: nonsense. On other transcripts: intron variant (1).
Genome position (GRCh38, 1-based): chr8:60,849,065, G>A. VCF-style: chr8-60849065-G-A. GRCh37 (hg19) VCF-style: chr8-61761624-G-A.
Other names: c.1717-13164G>A (NM_001316690.1); c.5315G>A (LRG_176t1); short protein forms W1772*.
Identifiers: ClinVar variation 372320 (VCV000372320.2), dbSNP rs1057517713, ClinGen allele CA16042644.